The following is an entry in ClinVar:

NM_000052.7(ATP7A):c.4255G>A (p.Glu1419Lys)

Gene: ATP7A (ATPase copper transporting alpha; plus strand). Cytogenetic location: Xq21.1.
Variant type: single nucleotide variant.
Coding change: c.4255G>A on transcript NM_000052.7 (MANE Select); coding-DNA position 4255, G replaced by A.
Protein change: p.Glu1419Lys; replaces glutamic acid 1419 with lysine.
Molecular consequence: missense variant. On other transcripts: non-coding transcript variant (1).
Genome position (GRCh38, 1-based): chrX:78,046,322, G>A. VCF-style: chrX-78046322-G-A. GRCh37 (hg19) VCF-style: chrX-77301819-G-A.
Other names: c.4021G>A, p.Glu1341Lys (NM_001282224.2); short protein forms E1341K, E1419K.
Identifiers: ClinVar variation 1951554 (VCV001951554.5), dbSNP rs374043566, ClinGen allele CA10459532.
Genomic context (GRCh38, chrX:78,046,322, plus strand): 5'-TTTGAAACTAGCATACTTTTGCATATGTCCAGTTACAGGAAACCAACTTACGAGAGTTAT[G>A]AACTGCCTGCCCGGAGCCAGATAGGACAGAAGAGTCCTTCAGAAATCAGCGTTCATGTTG-3'
Protein context (NP_000043.4, residues 1409-1429): LYRKPTYESY[Glu1419Lys]LPARSQIGQK

ClinVar aggregate classification (germline): Uncertain significance (1 of 4 stars; one submission).

Conditions:
Menkes kinky-hair syndrome (MNK). Also called: Classic Menkes Disease; Copper transport disease; Menkes Disease. Identifiers: Orphanet 565, MedGen C0022716, MONDO:0010651, OMIM 309400.
X-linked distal spinal muscular atrophy type 3. Also called: NEURONOPATHY, DISTAL HEREDITARY MOTOR, X-LINKED; NEUROPATHY, DISTAL HEREDITARY MOTOR, X-LINKED; ATP7A-Related Distal Motor Neuropathy; SPINAL MUSCULAR ATROPHY, DISTAL, X-LINKED RECESSIVE. Identifiers: Orphanet 139557, MedGen C1845359, MONDO:0010338, OMIM 300489.
Cutis laxa, X-linked (OHS). Also called: EDS IX; Occipital horn syndrome. Identifiers: Orphanet 198, MedGen C0268353, MONDO:0010572, OMIM 304150.

Allele frequency attached by ClinVar (database versions not stated): ExAC 0.00001; ESP Exome Variant Server 0.00009.

Submission:

Labcorp Genetics (formerly Invitae), Labcorp
Classification: Uncertain significance for X-linked distal spinal muscular atrophy type 3; Cutis laxa, X-linked; Menkes kinky-hair syndrome. Last evaluated: 2025-04-19. Review status: criteria provided, single submitter. Criteria: Invitae Variant Classification Sherloc (09022015). Collection method: clinical testing. Allele origin: germline.
Comment: This sequence change replaces glutamic acid, which is acidic and polar, with lysine, which is basic and polar, at codon 1419 of the ATP7A protein (p.Glu1419Lys). This variant is present in population databases (rs374043566, gnomAD 0.001%). This variant has not been reported in the literature in individuals affected with ATP7A-related conditions. ClinVar contains an entry for this variant (Variation ID: 1951554). Invitae Evidence Modeling of protein sequence and biophysical properties (such as structural, functional, and spatial information, amino acid conservation, physicochemical variation, residue mobility, and thermodynamic stability) indicates that this missense variant is not expected to disrupt ATP7A protein function with a negative predictive value of 95%. In summary, the available evidence is currently insufficient to determine the role of this variant in disease. Therefore, it has been classified as a Variant of Uncertain Significance.